The following is an entry in ClinVar:

ClinVar aggregate classification (germline): Uncertain significance (1 of 4 stars; one submission).

Allele frequency attached by ClinVar (database versions not stated): ExAC 0.00002.
gnomAD v4.1: 35 of 1,613,938 alleles (0.0022%); highest among the groups gnomAD compares: Non-Finnish European, 0.003%; no homozygotes.

Submission:

Labcorp Genetics (formerly Invitae), Labcorp
Classification: Uncertain significance. Last evaluated: 2022-04-30. Review status: criteria provided, single submitter. Criteria: Invitae Variant Classification Sherloc (09022015). Collection method: clinical testing. Allele origin: germline.
Comment: This sequence change replaces isoleucine, which is neutral and non-polar, with threonine, which is neutral and polar, at codon 430 of the RNF168 protein (p.Ile430Thr). This variant is present in population databases (rs781729599, gnomAD 0.004%). This variant has not been reported in the literature in individuals affected with RNF168-related conditions. Algorithms developed to predict the effect of missense changes on protein structure and function are either unavailable or do not agree on the potential impact of this missense change (SIFT: "Tolerated"; PolyPhen-2: "Possibly Damaging"; Align-GVGD: "Class C0"). Algorithms developed to predict the effect of sequence changes on RNA splicing suggest that this variant may create or strengthen a splice site. In summary, the available evidence is currently insufficient to determine the role of this variant in disease. Therefore, it has been classified as a Variant of Uncertain Significance.

NM_152617.4(RNF168):c.1289T>C (p.Ile430Thr)

Gene: RNF168 (ring finger protein 168; minus strand). Cytogenetic location: 3q29.
Variant type: single nucleotide variant.
Coding change: c.1289T>C on transcript NM_152617.4 (MANE Select); coding-DNA position 1289, T replaced by C.
Protein change: p.Ile430Thr; replaces isoleucine 430 with threonine.
Molecular consequence: missense variant.
Genome position (GRCh38, 1-based): chr3:196,472,246, A>G on the plus strand (T>C on the coding strand, the complement: RNF168 is on the minus strand). VCF-style: chr3-196472246-A-G. GRCh37 (hg19) VCF-style: chr3-196199117-A-G.
Other names: short protein forms I430T.
Identifiers: ClinVar variation 1975595 (VCV001975595.3), dbSNP rs781729599, ClinGen allele CA2780683.
Genomic context (GRCh38, chr3:196,472,246, plus strand): 5'-GCCAATAACCTGTCCTGTTCTTCTTGTTTATGTCTCTCAAACAGTAGATGCTCCAAATCT[A>G]TCAGTTTTTGGGTAAAGTTTATTTCTGTTTCCTCTTGATCTGGGGAAGATTCGGGGGACA-3'
Protein context (NP_689830.2, residues 420-440): ETEINFTQKL[Ile430Thr]DLEHLLFERH